The following is an entry in ClinVar:

ClinVar aggregate classification (germline): Likely pathogenic (1 of 4 stars; one submission).

Submission:

GeneDx
Classification: Likely pathogenic. Last evaluated: 2017-06-30. Review status: criteria provided, single submitter. Criteria: GeneDx Variant Classification (06012015). Collection method: clinical testing. Allele origin: germline. Affected: yes.
Comment: The c.3988-2_3988-1delAGinsTATA variant is not observed in large population cohorts (Lek et al., 2016; 1000 Genomes Consortium et al., 2015; Exome Variant Server). The c.3988-2_3988-1delAGinsTATA variant destroys the canonical splice donor site in intron 36. It is predicted to cause abnormal gene splicing, either leading to an abnormal message that is subject to nonsense-mediated mRNA decay, or to an abnormal protein product if the message is used for protein translation. Although, the c.3988-2_3988-1delAGinsTATA variant has not been previously reported to our knowledge, other pathogenic splice variants have been reported in the Human Gene Mutation Database in association with nemaline myopathy (Stenson et al., 2014).

NM_001164508.2(NEB):c.3988-2_3988-1delinsTATA

Gene: NEB (nebulin; minus strand). Cytogenetic location: 2q23.3.
Variant type: Indel.
Coding change: c.3988-2_3988-1delinsTATA on transcript NM_001164508.2 (MANE Select); the canonical splice acceptor site of the intron before coding-DNA position 3988, AG replaced by TATA.
Molecular consequence: splice acceptor variant.
Genome position (GRCh38, 1-based): chr2:151,672,681-151,672,682, CT replaced by TATA on the plus strand (AG replaced by TATA on the coding strand, the reverse complement: NEB is on the minus strand). VCF-style: chr2-151672681-CT-TATA. GRCh37 (hg19) VCF-style: chr2-152529195-CT-TATA.
Other names: c.3988-2_3988-1delinsTATA (NM_004543.5, NM_001164507.2, NM_001271208.2).
Identifiers: ClinVar variation 450126 (VCV000450126.1), dbSNP rs1553517142, ClinGen allele CA658657075.
Genomic context (GRCh38, chr2:151,672,681, plus strand): 5'-GAGGCTTCTGAAACCCACATGCTTTCCCTTTGACTTCTCATAAGCTTCCTTGTATTTATA[CT>TATA]GTGGAGGCAGAATTGGGTTAGCAAAGTCCTAGGCATTGATAGCATTAGCGCTGCAATTAC-3'